The following is an entry in ClinVar:

NM_017672.6(TRPM7):c.910C>T (p.Leu304Phe)

Gene: TRPM7 (transient receptor potential cation channel subfamily M member 7; minus strand). Cytogenetic location: 15q21.2.
Variant type: single nucleotide variant.
Coding change: c.910C>T on transcript NM_017672.6 (MANE Select); coding-DNA position 910, C replaced by T.
Protein change: p.Leu304Phe; replaces leucine 304 with phenylalanine.
Molecular consequence: missense variant. On other transcripts: non-coding transcript variant (3).
Genome position (GRCh38, 1-based): chr15:50,634,479, G>A on the plus strand (C>T on the coding strand, the complement: TRPM7 is on the minus strand). VCF-style: chr15-50634479-G-A. GRCh37 (hg19) VCF-style: chr15-50926676-G-A.
Other names: c.910C>T, p.Leu304Phe (NM_001301212.2); short protein forms L304F.
Identifiers: ClinVar variation 3764116 (VCV003764116.1).

ClinVar aggregate classification (germline): Uncertain significance (1 of 4 stars; one submission).

Submission:

GeneDx
Classification: Uncertain significance. Last evaluated: 2024-08-22. Review status: criteria provided, single submitter. Criteria: GeneDx Variant Classification Process June 2021. Collection method: clinical testing. Allele origin: germline. Affected: yes.
Comment: Not observed at significant frequency in large population cohorts (gnomAD); In silico analysis supports that this missense variant has a deleterious effect on protein structure/function; In silico analysis suggests this variant may impact gene splicing. In the absence of RNA/functional studies, the actual effect of this sequence change is unknown.; Has not been previously published as pathogenic or benign to our knowledge